The following is an entry in ClinVar:

ClinVar aggregate classification (germline): Uncertain significance. Review status: criteria provided, multiple submitters, no conflicts (2 of 4 stars). 2 submissions from 2 submitters: Uncertain significance (2). Last evaluated 2025-07-31.

Conditions:
OSTEOPOROSIS, EARLY-ONSET, SUSCEPTIBILITY TO (BMND16). Also called: Bone mineral density quantitative trait locus 16. Identifiers: Orphanet 85193, MedGen C3714945, OMIM 615221.

gnomAD v4.1: 3 of 1,607,808 alleles (0.00019%); highest among the groups gnomAD compares: Non-Finnish European, 0.00017%; no homozygotes.

Submissions (2):

Labcorp Genetics (formerly Invitae), Labcorp
Classification: Uncertain significance. Last evaluated: 2025-07-31. Review status: criteria provided, single submitter. Criteria: Invitae Variant Classification Sherloc (09022015). Collection method: clinical testing. Allele origin: germline.
Comment: This sequence change replaces aspartic acid, which is acidic and polar, with glycine, which is neutral and non-polar, at codon 172 of the WNT1 protein (p.Asp172Gly). This variant is not present in population databases (gnomAD no frequency). This variant has not been reported in the literature in individuals affected with WNT1-related conditions. Invitae Evidence Modeling of protein sequence and biophysical properties (such as structural, functional, and spatial information, amino acid conservation, physicochemical variation, residue mobility, and thermodynamic stability) has been performed for this missense variant. However, the output from this modeling did not meet the statistical confidence thresholds required to predict the impact of this variant on WNT1 protein function. This variant disrupts the p.Asp172 amino acid residue in WNT1. Other variant(s) that disrupt this residue have been observed in individuals with WNT1-related conditions (PMID: 33093841; internal data), which suggests that this may be a clinically significant amino acid residue. In summary, the available evidence is currently insufficient to determine the role of this variant in disease. Therefore, it has been classified as a Variant of Uncertain Significance.

MVZ Martinsried, Medicover Genetics
Classification: Uncertain significance for OSTEOPOROSIS, EARLY-ONSET, SUSCEPTIBILITY TO. Last evaluated: 2024-09-06. Review status: criteria provided, single submitter. Criteria: ACGS Guidelines, 2020. Collection method: clinical testing. Allele origin: unknown. Affected: yes. Observed: 1 heterozygote.

Literature cited by the submitters: PubMed 33093841 (cited by Labcorp Genetics (formerly Invitae), Labcorp).

NM_005430.4(WNT1):c.515A>G (p.Asp172Gly)

Gene: WNT1 (Wnt family member 1; plus strand). Cytogenetic location: 12q13.12.
Variant type: single nucleotide variant.
Coding change: c.515A>G on transcript NM_005430.4 (MANE Select); coding-DNA position 515, A replaced by G.
Protein change: p.Asp172Gly; replaces aspartic acid 172 with glycine.
Molecular consequence: missense variant.
Genome position (GRCh38, 1-based): chr12:48,980,580, A>G. VCF-style: chr12-48980580-A-G. GRCh37 (hg19) VCF-style: chr12-49374363-A-G.
Other names: short protein forms D172G.
Identifiers: ClinVar variation 4694006 (VCV004694006.2).